The following is an entry in ClinVar:

ClinVar aggregate classification (somatic clinical impact): Tier I - Strong (1 of 4 stars; one submission).
ClinVar aggregate classification (oncogenicity): Oncogenic (1 of 4 stars; one submission).

Conditions:
Astrocytoma IDH-mutant. Identifiers: MedGen C5669733.
Neoplasm. Also called: Neoplasms; Neoplasm (disease); tumor. Identifiers: MedGen C0027651, MeSH D009369, MONDO:0005070, HP:0002664.

Submissions (6):

Institute for Genomic Medicine (IGM) Clinical Laboratory, Nationwide Children's Hospital
Classification: Tier I - Strong for Astrocytoma IDH-mutant. Assertion type: diagnostic. Clinical significance: supports diagnosis. Last evaluated: 2025-07-02. Review status: criteria provided, single submitter. Criteria: AMP/ASCO/CAP Guidelines, 2017. Collection method: clinical testing. Allele origin: somatic. Affected: yes.
Comment: Variant has Tier I (strong) clinical significance as a diagnostic inclusion criterion in Astrocytoma IDH-mutant, based on the following evidence: 1) Documented in one or more cancer databases (e.g., St. Jude Pecan, COSMIC, CIViC, OncoKB). 2) Appears in one or more well-established professional guidelines (e.g., World Health Organization [WHO]; National Comprehensive Cancer Network [NCCN]) as providing diagnostic, prognostic, or therapeutic information. 3) Information in the literature supports potential biologic effect of variant (PMIDs: 19935646, 24529257, 28330869). 4) Diagnostic for a specific tumor type/classification according to professional guidelines (Evidence Level A; PMIDs: 19228619, 26061751, 19246647, 33772213, 35604410, 24140581, 30326163, 40335748).

Center for Genomic Medicine, Rigshospitalet, Copenhagen University Hospital
Classification: Oncogenic for Neoplasm. Last evaluated: 2025-03-04. Review status: criteria provided, single submitter. Criteria: ClinGen/CGC/VICC Guidelines for Oncogenicity, 2022. Collection method: clinical testing. Allele origin: somatic. Affected: yes.

Dr. Peter K. Rogan Lab, Western University
No classification provided (evidence only). Condition: Acute myeloid leukemia. Review status: no classification provided. Collection method: in vitro. Allele origin: not applicable. Functional consequence: retained intron. Not counted in ClinVar's aggregate classification.

Dr. Peter K. Rogan Lab, Western University
No classification provided (evidence only). Condition: Colon adenocarcinoma. Review status: no classification provided. Collection method: in vitro. Allele origin: not applicable. Functional consequence: retained intron. Not counted in ClinVar's aggregate classification.

Dr. Peter K. Rogan Lab, Western University
No classification provided (evidence only). Condition: Hepatocellular carcinoma. Review status: no classification provided. Collection method: in vitro. Allele origin: not applicable. Functional consequence: skipped exon, retained intron. Not counted in ClinVar's aggregate classification.

Dr. Peter K. Rogan Lab, Western University
No classification provided (evidence only). Condition: Glioma susceptibility 1. Review status: no classification provided. Collection method: in vitro. Allele origin: not applicable. Functional consequence: retained intron. Not counted in ClinVar's aggregate classification.

Literature cited by the submitters: PubMed 19935646 (cited by Institute for Genomic Medicine (IGM) Clinical Laboratory, Nationwide Children's Hospital and Center for Genomic Medicine, Rigshospitalet, Copenhagen University Hospital); PubMed 24529257 (cited by Institute for Genomic Medicine (IGM) Clinical Laboratory, Nationwide Children's Hospital and Center for Genomic Medicine, Rigshospitalet, Copenhagen University Hospital); PubMed 28330869 (cited by Institute for Genomic Medicine (IGM) Clinical Laboratory, Nationwide Children's Hospital and Center for Genomic Medicine, Rigshospitalet, Copenhagen University Hospital); PubMed 19228619 (cited by Institute for Genomic Medicine (IGM) Clinical Laboratory, Nationwide Children's Hospital); PubMed 26061751 (cited by Institute for Genomic Medicine (IGM) Clinical Laboratory, Nationwide Children's Hospital); PubMed 19246647 (cited by Institute for Genomic Medicine (IGM) Clinical Laboratory, Nationwide Children's Hospital); PubMed 33772213 (cited by Institute for Genomic Medicine (IGM) Clinical Laboratory, Nationwide Children's Hospital); PubMed 35604410 (cited by Institute for Genomic Medicine (IGM) Clinical Laboratory, Nationwide Children's Hospital); PubMed 24140581 (cited by Institute for Genomic Medicine (IGM) Clinical Laboratory, Nationwide Children's Hospital); PubMed 30326163 (cited by Institute for Genomic Medicine (IGM) Clinical Laboratory, Nationwide Children's Hospital); PubMed 40335748 (cited by Institute for Genomic Medicine (IGM) Clinical Laboratory, Nationwide Children's Hospital).

NM_005896.4(IDH1):c.394C>G (p.Arg132Gly)

Gene: IDH1 (isocitrate dehydrogenase (NADP(+)) 1; minus strand). Cytogenetic location: 2q34.
Variant type: single nucleotide variant.
Coding change: c.394C>G on transcript NM_005896.4 (MANE Select); coding-DNA position 394, C replaced by G.
Protein change: p.Arg132Gly; replaces arginine 132 with glycine.
Molecular consequence: missense variant.
Genome position (GRCh38, 1-based): chr2:208,248,389, G>C on the plus strand (C>G on the coding strand, the complement: IDH1 is on the minus strand). VCF-style: chr2-208248389-G-C. GRCh37 (hg19) VCF-style: chr2-209113113-G-C.
Other names: NC_000002.11:g.209113113G>C; c.394C>G, p.Arg132Gly (NM_001282386.1, NM_001282387.1); short protein forms R132G.
Identifiers: ClinVar variation 3764951 (VCV003764951.3), dbSNP rs121913499.
Genomic context (GRCh38, chr2:208,248,389, plus strand): 5'-AAAAAACATGCAAAATCACATTATTGCCAACATGACTTACTTGATCCCCATAAGCATGAC[G>C]ACCTATGATGATAGGTTTTACCCATCCACTCACAAGCCGGGGGATATTTTTGCAGATAAT-3'
Protein context (NP_005887.2, residues 122-142): SGWVKPIIIG[Arg132Gly]HAYGDQYRAT